The following is an entry in ClinVar:

ClinVar aggregate classification (germline): Uncertain significance (1 of 4 stars; one submission).

Conditions:
Atrioventricular septal defect 4 (AVSD4). Identifiers: MedGen C3280781, MONDO:0013747, OMIM 614430.

Allele frequency attached by ClinVar (database versions not stated): gnomAD exomes below 0.00001.

Submission:

Labcorp Genetics (formerly Invitae), Labcorp
Classification: Uncertain significance for Atrioventricular septal defect 4. Last evaluated: 2024-05-04. Review status: criteria provided, single submitter. Criteria: Invitae Variant Classification Sherloc (09022015). Collection method: clinical testing. Allele origin: germline.
Comment: This sequence change replaces arginine, which is basic and polar, with tryptophan, which is neutral and slightly polar, at codon 260 of the GATA4 protein (p.Arg260Trp). This variant is not present in population databases (gnomAD no frequency). This missense change has been observed in individual(s) with left ventricular apical noncompaction (PMID: 29874181). Advanced modeling of protein sequence and biophysical properties (such as structural, functional, and spatial information, amino acid conservation, physicochemical variation, residue mobility, and thermodynamic stability) performed at Invitae indicates that this missense variant is expected to disrupt GATA4 protein function with a positive predictive value of 80%. Experimental studies have shown that this missense change affects GATA4 function (PMID: 29874181). In summary, the available evidence is currently insufficient to determine the role of this variant in disease. Therefore, it has been classified as a Variant of Uncertain Significance.

Literature cited by the submitters: PubMed 29874181.

NM_001308093.3(GATA4):c.781C>T (p.Arg261Trp)

Gene: GATA4 (GATA binding protein 4). Cytogenetic location: 8p23.1.
Variant type: single nucleotide variant.
Coding change: c.781C>T on transcript NM_001308093.3 (MANE Select); coding-DNA position 781, C replaced by T.
Protein change: p.Arg261Trp; replaces arginine 261 with tryptophan.
Molecular consequence: missense variant.
Genome position (GRCh38, 1-based): chr8:11,749,080, C>T. VCF-style: chr8-11749080-C-T. GRCh37 (hg19) VCF-style: chr8-11606589-C-T.
Other names: c.160C>T, p.Arg54Trp (NM_001308094.2, NM_001374273.1, NM_001374274.1); c.778C>T, p.Arg260Trp (NM_002052.5); short protein forms R261W, R54W, R260W.
Identifiers: ClinVar variation 2896922 (VCV002896922.3), dbSNP rs2486967708, ClinGen allele CA370312881.